The following is an entry in ClinVar:

NM_001165963.4(SCN1A):c.3070_3074del (p.Ala1024fs)

Gene: SCN1A (sodium voltage-gated channel alpha subunit 1; minus strand). Cytogenetic location: 2q24.3.
Variant type: Deletion.
Coding change: c.3070_3074del on transcript NM_001165963.4 (MANE Select); coding-DNA positions 3070 to 3074, 5 bases deleted (GCTTA; older notation c.3070_3074delGCTTA).
Protein change: p.Ala1024fs; shifts the reading frame from alanine 1024.
Molecular consequence: frameshift variant. On other transcripts: non-coding transcript variant (1).
Genome position (GRCh38, 1-based): chr2:166,036,403-166,036,407, TAAGC deleted on the plus strand (GCTTA on the coding strand, the reverse complement: SCN1A is on the minus strand); deleting any 5 consecutive bases within chr2:166,036,403-166,036,409 gives the same sequence; the c. name uses the placement nearest the transcript's 3' end. VCF-style (leftmost placement, unchanged base first): chr2-166036402-ATAAGC-A. GRCh37 (hg19) VCF-style: chr2-166892912-ATAAGC-A.
Other names: c.2986_2990del, p.Ala996fs (NM_001165964.3, NM_001353957.2, NM_001353958.2); c.3070_3074del, p.Ala1024fs (NM_001202435.3, NM_001353948.2); c.3037_3041del, p.Ala1013fs (NM_001353949.2, NM_001353950.2, NM_001353951.2 and 2 more transcripts); c.3034_3038del, p.Ala1012fs (NM_001353954.2, NM_001353955.2); c.2983_2987del, p.Ala995fs (NM_001353960.2); c.628_632del, p.Ala210fs (NM_001353961.2); short protein forms A1012fs, A1013fs, A1024fs, A210fs, A995fs, A996fs.
Identifiers: ClinVar variation 1163417 (VCV001163417.5), dbSNP rs2105796481, ClinGen allele CA2499215182.

ClinVar aggregate classification (germline): Pathogenic (1 of 4 stars; one submission).

Submission:

Mayo Clinic Laboratories, Mayo Clinic
Classification: Pathogenic. Last evaluated: 2019-05-20. Review status: criteria provided, single submitter. Criteria: ACMG Guidelines, 2015. Collection method: clinical testing. Allele origin: germline. Observed: 1 variant allele.
Comment: PVS1, PM2, PP4